The following is an entry in ClinVar:

NM_001035.3(RYR2):c.393C>G (p.Cys131Trp)

Gene: RYR2 (ryanodine receptor 2; plus strand). Cytogenetic location: 1q43.
Variant type: single nucleotide variant.
Coding change: c.393C>G on transcript NM_001035.3 (MANE Select); coding-DNA position 393, C replaced by G.
Protein change: p.Cys131Trp; replaces cysteine 131 with tryptophan.
Molecular consequence: missense variant.
Genome position (GRCh38, 1-based): chr1:237,374,725, C>G. VCF-style: chr1-237374725-C-G. GRCh37 (hg19) VCF-style: chr1-237538025-C-G.
Other names: short protein forms C131W.
Identifiers: ClinVar variation 4278795 (VCV004278795.2).

ClinVar aggregate classification (germline): Uncertain significance. Review status: criteria provided, multiple submitters, no conflicts (2 of 4 stars). 2 submissions from 2 submitters: Uncertain significance (2). Last evaluated 2025-08-09.

Conditions:
Catecholaminergic polymorphic ventricular tachycardia 1. Also called: RYR2-Related Catecholaminergic Polymorphic Ventricular Tachycardia; VENTRICULAR TACHYCARDIA, STRESS-INDUCED POLYMORPHIC 1; VENTRICULAR TACHYCARDIA, CATECHOLAMINERGIC POLYMORPHIC, 1, WITH OR WITHOUT ATRIAL DYSFUNCTION AND/OR DILATED CARDIOMYOPATHY. Identifiers: Orphanet 3286, MedGen C1631597, MONDO:0011484, OMIM 604772.

Submissions (2):

Labcorp Genetics (formerly Invitae), Labcorp
Classification: Uncertain significance for Catecholaminergic polymorphic ventricular tachycardia 1. Last evaluated: 2025-08-09. Review status: criteria provided, single submitter. Criteria: Invitae Variant Classification Sherloc (09022015). Collection method: clinical testing. Allele origin: germline.
Comment: This sequence change replaces cysteine, which is neutral and slightly polar, with tryptophan, which is neutral and slightly polar, at codon 131 of the RYR2 protein (p.Cys131Trp). This variant is not present in population databases (gnomAD no frequency). This variant has not been reported in the literature in individuals affected with RYR2-related conditions. Invitae Evidence Modeling of protein sequence and biophysical properties (such as structural, functional, and spatial information, amino acid conservation, physicochemical variation, residue mobility, and thermodynamic stability) has been performed for this missense variant. However, the output from this modeling did not meet the statistical confidence thresholds required to predict the impact of this variant on RYR2 protein function. In summary, the available evidence is currently insufficient to determine the role of this variant in disease. Therefore, it has been classified as a Variant of Uncertain Significance.

GeneDx
Classification: Uncertain significance. Last evaluated: 2025-04-04. Review status: criteria provided, single submitter. Criteria: GeneDx Variant Classification Process June 2021. Collection method: clinical testing. Allele origin: germline. Affected: yes.
Comment: Not observed at significant frequency in large population cohorts (gnomAD); In silico analysis supports that this missense variant has a deleterious effect on protein structure/function; Has not been previously published as pathogenic or benign to our knowledge; Located in one of the three hot-spot regions of the RYR2 gene, where the majority of pathogenic missense variants occur (PMID: 19926015); This variant is associated with the following publications: (PMID: 19926015)